The following is an entry in ClinVar:

NM_001044.5(SLC6A3):c.1618A>G (p.Ile540Val)

Gene: SLC6A3 (solute carrier family 6 member 3). Cytogenetic location: 5p15.33.
Variant type: single nucleotide variant.
Coding change: c.1618A>G on transcript NM_001044.5 (MANE Select); coding-DNA position 1618, A replaced by G.
Protein change: p.Ile540Val; replaces isoleucine 540 with valine.
Molecular consequence: missense variant.
Genome position (GRCh38, 1-based): chr5:1,403,071, T>C on the plus strand (A>G on the coding strand, the complement: SLC6A3 is on the minus strand). VCF-style: chr5-1403071-T-C. GRCh37 (hg19) VCF-style: chr5-1403186-T-C.
Other names: short protein forms I540V.
Identifiers: ClinVar variation 3701408 (VCV003701408.2).

ClinVar aggregate classification (germline): Uncertain significance (1 of 4 stars; one submission).

Conditions:
Parkinsonism-dystonia, infantile. Identifiers: Orphanet 238455, MedGen C2751067, MONDO:0013150.

gnomAD v4.1: 1 of 1,613,716 alleles (0.000062%); no homozygotes.

Submission:

Labcorp Genetics (formerly Invitae), Labcorp
Classification: Uncertain significance for Parkinsonism-dystonia, infantile. Last evaluated: 2024-02-15. Review status: criteria provided, single submitter. Criteria: Invitae Variant Classification Sherloc (09022015). Collection method: clinical testing. Allele origin: germline.
Comment: This sequence change replaces isoleucine, which is neutral and non-polar, with valine, which is neutral and non-polar, at codon 540 of the SLC6A3 protein (p.Ile540Val). This variant is not present in population databases (gnomAD no frequency). This variant has not been reported in the literature in individuals affected with SLC6A3-related conditions. Advanced modeling of protein sequence and biophysical properties (such as structural, functional, and spatial information, amino acid conservation, physicochemical variation, residue mobility, and thermodynamic stability) performed at Invitae indicates that this missense variant is not expected to disrupt SLC6A3 protein function with a negative predictive value of 80%. In summary, the available evidence is currently insufficient to determine the role of this variant in disease. Therefore, it has been classified as a Variant of Uncertain Significance.